The following is an entry in ClinVar:

ClinVar aggregate classification (germline): Uncertain significance. Review status: criteria provided, multiple submitters, no conflicts (2 of 4 stars). 2 submissions from 2 submitters: Uncertain significance (2). Last evaluated 2026-03-29.

Conditions:
Hereditary cancer-predisposing syndrome. Also called: Tumor predisposition; Hereditary neoplastic syndrome; Neoplastic Syndromes, Hereditary; Hereditary Cancer Syndrome. Identifiers: Orphanet 140162, MedGen C0027672, MeSH D009386, MONDO:0015356.
Breast-ovarian cancer, familial, susceptibility to, 4. Identifiers: Orphanet 145, MedGen C3280345, MONDO:0013669, OMIM 614291.

Submissions (2):

Ambry Genetics
Classification: Uncertain significance for Hereditary cancer-predisposing syndrome. Last evaluated: 2026-03-29. Review status: criteria provided, single submitter. Criteria: Ambry Variant Classification Scheme 2023. Collection method: clinical testing. Allele origin: germline.
Comment: The p.L141R variant (also known as c.422T>G), located in coding exon 5 of the RAD51D gene, results from a T to G substitution at nucleotide position 422. The leucine at codon 141 is replaced by arginine, an amino acid with dissimilar properties. This amino acid position is conserved. In addition, the in silico prediction for this alteration is inconclusive. Based on the available evidence, the clinical significance of this variant remains unclear.

Labcorp Genetics (formerly Invitae), Labcorp
Classification: Uncertain significance for Breast-ovarian cancer, familial, susceptibility to, 4. Last evaluated: 2023-01-07. Review status: criteria provided, single submitter. Criteria: Invitae Variant Classification Sherloc (09022015). Collection method: clinical testing. Allele origin: germline.
Comment: In summary, the available evidence is currently insufficient to determine the role of this variant in disease. Therefore, it has been classified as a Variant of Uncertain Significance. Advanced modeling of protein sequence and biophysical properties (such as structural, functional, and spatial information, amino acid conservation, physicochemical variation, residue mobility, and thermodynamic stability) performed at Invitae indicates that this missense variant is not expected to disrupt RAD51D protein function. This variant has not been reported in the literature in individuals affected with RAD51D-related conditions. This variant is not present in population databases (gnomAD no frequency). This sequence change replaces leucine, which is neutral and non-polar, with arginine, which is basic and polar, at codon 141 of the RAD51D protein (p.Leu141Arg).

NM_002878.4(RAD51D):c.422T>G (p.Leu141Arg)

Genes: RAD51D (RAD51 paralog D; minus strand), RAD51L3-RFFL (RAD51L3-RFFL readthrough; minus strand). Cytogenetic location: 17q12.
Variant type: single nucleotide variant.
Coding change: c.422T>G on transcript NM_002878.4 (MANE Select); coding-DNA position 422, T replaced by G.
Protein change: p.Leu141Arg; replaces leucine 141 with arginine.
Molecular consequence: missense variant. On other transcripts: non-coding transcript variant (1), intron variant (1).
Genome position (GRCh38, 1-based): chr17:35,107,046, A>C on the plus strand (T>G on the coding strand, the complement: RAD51D is on the minus strand). VCF-style: chr17-35107046-A-C. GRCh37 (hg19) VCF-style: chr17-33434065-A-C.
Other names: c.482T>G, p.Leu161Arg (NM_001142571.2); c.145-565T>G (NM_133629.3); short protein forms L141R, L161R.
Identifiers: ClinVar variation 2826866 (VCV002826866.4), dbSNP rs780938875, ClinGen allele CA399089256.